The following is an entry in ClinVar:

NM_001364857.2(ADGRB2):c.4327C>T (p.Arg1443Trp)

Gene: ADGRB2 (adhesion G protein-coupled receptor B2; minus strand). Cytogenetic location: 1p35.2.
Variant type: single nucleotide variant.
Coding change: c.4327C>T on transcript NM_001364857.2 (MANE Select); coding-DNA position 4327, C replaced by T.
Protein change: p.Arg1443Trp; replaces arginine 1443 with tryptophan.
Molecular consequence: missense variant.
Genome position (GRCh38, 1-based): chr1:31,730,853, G>A on the plus strand (C>T on the coding strand, the complement: ADGRB2 is on the minus strand). VCF-style: chr1-31730853-G-A. GRCh37 (hg19) VCF-style: chr1-32196454-G-A.
Other names: c.4327C>T, p.Arg1443Trp (NM_001294335.2); c.4228C>T, p.Arg1410Trp (NM_001294336.2); short protein forms R1410W, R1443W.
Identifiers: ClinVar variation 1503759 (VCV001503759.6), dbSNP rs765198928, ClinGen allele CA735098.

ClinVar aggregate classification (germline): Uncertain significance (1 of 4 stars; one submission).

Allele frequency attached by ClinVar (database versions not stated): ExAC 0.00001; gnomAD exomes 0.00001.

Submission:

Labcorp Genetics (formerly Invitae), Labcorp
Classification: Uncertain significance. Last evaluated: 2024-12-02. Review status: criteria provided, single submitter. Criteria: Invitae Variant Classification Sherloc (09022015). Collection method: clinical testing. Allele origin: germline.
Comment: This sequence change replaces arginine, which is basic and polar, with tryptophan, which is neutral and slightly polar, at codon 1410 of the ADGRB2 protein (p.Arg1410Trp). The frequency data for this variant in the population databases is considered unreliable, as metrics indicate poor data quality at this position in the gnomAD database. This variant has not been reported in the literature in individuals affected with ADGRB2-related conditions. ClinVar contains an entry for this variant (Variation ID: 1503759). An algorithm developed to predict the effect of missense changes on protein structure and function (PolyPhen-2) suggests that this variant is likely to be disruptive. In summary, the available evidence is currently insufficient to determine the role of this variant in disease. Therefore, it has been classified as a Variant of Uncertain Significance.